The following is an entry in ClinVar:

ClinVar aggregate classification (germline): Uncertain significance (1 of 4 stars; one submission).

Conditions:
Hereditary cancer-predisposing syndrome. Also called: Neoplastic Syndromes, Hereditary; Tumor predisposition; Hereditary Cancer Syndrome; Hereditary neoplastic syndrome. Identifiers: Orphanet 140162, MedGen C0027672, MeSH D009386, MONDO:0015356.

Submission:

Ambry Genetics
Classification: Uncertain significance for Hereditary cancer-predisposing syndrome. Last evaluated: 2021-04-06. Review status: criteria provided, single submitter. Criteria: Ambry Variant Classification Scheme 2023. Collection method: clinical testing. Allele origin: germline.
Comment: The p.Q420E variant (also known as c.1258C>G), located in coding exon 4 of the PALB2 gene, results from a C to G substitution at nucleotide position 1258. The glutamine at codon 420 is replaced by glutamic acid, an amino acid with highly similar properties. This amino acid position is highly conserved in available vertebrate species. In addition, this alteration is predicted to be tolerated by in silico analysis. Since supporting evidence is limited at this time, the clinical significance of this alteration remains unclear.

NM_024675.4(PALB2):c.1258C>G (p.Gln420Glu)

Gene: PALB2 (partner and localizer of BRCA2; minus strand). Cytogenetic location: 16p12.2.
Variant type: single nucleotide variant.
Coding change: c.1258C>G on transcript NM_024675.4 (MANE Select); coding-DNA position 1258, C replaced by G.
Protein change: p.Gln420Glu; replaces glutamine 420 with glutamic acid.
Molecular consequence: missense variant.
Genome position (GRCh38, 1-based): chr16:23,635,288, G>C on the plus strand (C>G on the coding strand, the complement: PALB2 is on the minus strand). VCF-style: chr16-23635288-G-C. GRCh37 (hg19) VCF-style: chr16-23646609-G-C.
Other names: c.1198C>G, p.Gln400Glu (NM_001407296.1); c.1258C>G, p.Gln420Glu (NM_001407297.1, NM_001407298.1, NM_001407299.1 and 3 more transcripts); c.373C>G, p.Gln125Glu (NM_001407304.1, NM_001407305.1, NM_001407306.1 and 5 more transcripts); short protein forms Q420E, Q400E, Q125E.
Identifiers: ClinVar variation 1762305 (VCV001762305.2), dbSNP rs587782446, ClinGen allele CA395132806.